The following continues an entry in ClinVar:

NM_000059.4(BRCA2):c.8182G>A (p.Val2728Ile)

Gene: BRCA2. ClinVar aggregate classification (germline): Benign. Benign (1).

Submissions 18 to 39 of 43:

Cancer Genetics and Genomics Laboratory, British Columbia Cancer Agency
Classification: Benign. Last evaluated: 2017-04-18. Review status: criteria provided, single submitter. Criteria: ACMG Guidelines, 2015. Collection method: clinical testing. Allele origin: germline. Study: The Canadian Open Genetics Repository (COGR). Not counted in ClinVar's aggregate classification.

Genetic Services Laboratory, University of Chicago
Classification: Likely benign. Last evaluated: 2016-07-15. Review status: criteria provided, single submitter. Criteria: ACMG Guidelines, 2015. Collection method: clinical testing. Allele origin: germline. Affected: no. Not counted in ClinVar's aggregate classification.

Vantari Genetics
Classification: Benign for Hereditary cancer-predisposing syndrome. Last evaluated: 2016-01-22. Review status: criteria provided, single submitter. Criteria: ACMG Guidelines, 2015. Collection method: clinical testing. Allele origin: germline. Not counted in ClinVar's aggregate classification.

Clinical Genetics DNA and cytogenetics Diagnostics Lab, Erasmus MC, Erasmus Medical Center
Classification: Benign for Breast-ovarian cancer, familial, susceptibility to, 2. Last evaluated: 2015-09-21. Review status: criteria provided, single submitter. Criteria: ACGS Guidelines, 2013. Collection method: clinical testing. Allele origin: germline. Affected: yes. Study: VKGL Data-share Consensus. Not counted in ClinVar's aggregate classification.

CSER _CC_NCGL, University of Washington
Classification: Benign for Hereditary Breast and Ovarian Cancer Syndrome. Last evaluated: 2015-03-11. Review status: criteria provided, single submitter. Criteria: Amendola et al. (Genome Res. 2015). Collection method: research. Allele origin: germline. Inheritance: Autosomal dominant inheritance. Study: CSER - NEXT Medicine variant annotation. Not counted in ClinVar's aggregate classification.

Ambry Genetics
Classification: Benign for Hereditary cancer-predisposing syndrome. Last evaluated: 2014-11-19. Review status: criteria provided, single submitter. Criteria: Ambry Variant Classification Scheme 2023. Collection method: clinical testing. Allele origin: germline. Not counted in ClinVar's aggregate classification.

Molecular Genetics Laboratory, University of Michigan
Classification: Benign for Breast-ovarian cancer, familial, susceptibility to, 2. Last evaluated: 2014-11-03. Review status: criteria provided, single submitter. Criteria: ACMG Guidelines, 2015. Collection method: clinical testing. Allele origin: germline. Affected: yes. Not counted in ClinVar's aggregate classification.

Genome Diagnostics Laboratory, University Medical Center Utrecht
Classification: Benign for Breast-ovarian cancer, familial, susceptibility to, 2. Last evaluated: 2014-10-09. Review status: criteria provided, single submitter. Criteria: ACGS Guidelines, 2013. Collection method: clinical testing. Allele origin: germline. Affected: yes. Study: VKGL Data-share Consensus. Not counted in ClinVar's aggregate classification.

Women's Health and Genetics/Laboratory Corporation of America, LabCorp
Classification: Benign for Hereditary breast ovarian cancer syndrome. Last evaluated: 2014-09-24. Review status: criteria provided, single submitter. Criteria: LabCorp Variant Classification Summary - May 2015. Collection method: clinical testing. Allele origin: germline. Not counted in ClinVar's aggregate classification.

Eurofins Ntd Llc (ga)
Classification: Benign. Last evaluated: 2014-02-10. Review status: criteria provided, single submitter. Criteria: EGL Classification Definitions 2015. Collection method: clinical testing. Allele origin: germline. Observed: 2 variant alleles, 2 heterozygotes. Not counted in ClinVar's aggregate classification.

GeneDx
Classification: Benign. Last evaluated: 2013-10-21. Review status: criteria provided, single submitter. Criteria: GeneDx Variant Classification (06012015). Collection method: clinical testing. Allele origin: germline. Affected: yes. Not counted in ClinVar's aggregate classification.
Comment: This variant is considered likely benign or benign based on one or more of the following criteria: it is a conservative change, it occurs at a poorly conserved position in the protein, it is predicted to be benign by multiple in silico algorithms, and/or has population frequency not consistent with disease.

PreventionGenetics, part of Exact Sciences
Classification: Benign for BRCA2-related condition. Last evaluated: 2021-04-19. Review status: no assertion criteria provided. Collection method: clinical testing. Allele origin: germline. Not counted in ClinVar's aggregate classification.
Comment: This variant is classified as benign based on ACMG/AMP sequence variant interpretation guidelines (Richards et al. 2015 PMID: 25741868, with internal and published modifications).

BRCAlab, Lund University
Classification: Benign for Breast-ovarian cancer, familial, susceptibility to, 2. Last evaluated: 2020-03-02. Review status: no assertion criteria provided. Collection method: clinical testing. Allele origin: germline. Affected: yes. Not counted in ClinVar's aggregate classification.

True Health Diagnostics
Classification: Likely benign for Hereditary cancer-predisposing syndrome. Last evaluated: 2017-11-14. Review status: no assertion criteria provided. Collection method: clinical testing. Allele origin: germline. Not counted in ClinVar's aggregate classification.

Mayo Clinic Laboratories, Mayo Clinic
Classification: Benign. Last evaluated: 2017-03-08. Review status: no assertion criteria provided. Collection method: clinical testing. Allele origin: unknown. Not counted in ClinVar's aggregate classification.

Pathway Genomics
Classification: Likely benign for hereditary breast and ovarian cancer, BROVCA2. Last evaluated: 2014-07-24. Review status: no assertion criteria provided. Collection method: literature only. Allele origin: germline. Not counted in ClinVar's aggregate classification.

CSER _CC_NCGL, University of Washington
Classification: Likely benign for Breast cancer. Last evaluated: 2014-06-01. Review status: no assertion criteria provided. Collection method: research. Allele origin: germline. Inheritance: Autosomal dominant inheritance. Study: ESP 6500 variant annotation. Not counted in ClinVar's aggregate classification.
Comment: Variants classified for the Actionable exomic incidental findings in 6503 participants: challenges of variant classification manuscript

Counsyl
Classification: Likely benign for Breast-ovarian cancer, familial 2. Last evaluated: 2014-01-02. Review status: no assertion criteria provided. Collection method: literature only. Allele origin: unknown. Inheritance: Autosomal dominant inheritance. Not counted in ClinVar's aggregate classification.

ITMI
No classification provided. Condition: AllHighlyPenetrant. Last evaluated: 2013-09-19. Review status: no classification provided. Collection method: reference population. Allele origin: germline. Not counted in ClinVar's aggregate classification.
Comment: Please see associated publication for description of ethnicities

Biesecker Lab/Clinical Genomics Section, National Institutes of Health
Classification: Likely benign. Last evaluated: 2012-07-13. Review status: no assertion criteria provided. Collection method: research. Allele origin: germline. Affected: no. Observed: 2 variant alleles. Study: ClinSeq. Not counted in ClinVar's aggregate classification.
ClinVar note: Converted during submission from probably not pathogenic to Likely benign.

Breast Cancer Information Core (BIC) (BRCA2)
Classification: Benign for Breast-ovarian cancer, familial 2. Last evaluated: 2002-05-29. Review status: no assertion criteria provided. Collection method: clinical testing. Allele origin: germline. Affected: yes. Observed: 89 variant alleles. Not counted in ClinVar's aggregate classification.

Clinical Genetics Laboratory, Department of Pathology, Netherlands Cancer Institute
Classification: Benign. Review status: no assertion criteria provided. Collection method: clinical testing. Allele origin: germline. Affected: yes. Study: VKGL Data-share Consensus. Not counted in ClinVar's aggregate classification.